The following is an entry in ClinVar:

ClinVar aggregate classification (germline): Benign. Review status: criteria provided, multiple submitters, no conflicts (2 of 4 stars). 9 submissions from 8 submitters: Benign (8). 1 of the submissions does not count toward it. Last evaluated 2026-02-04.

Conditions:
Saldino-Mainzer syndrome (SRTD9). Also called: SHORT-RIB THORACIC DYSPLASIA 9 WITHOUT POLYDACTYLY; CONORENAL SYNDROME; short-rib thoracic dysplasia 9 with or without polydactyly; Renal dysplasia, retinal pigmentary dystrophy, cerebellar ataxia and skeletal dysplasia. Identifiers: Orphanet 140969, MedGen C1849437, MONDO:0009964, OMIM 266920.
Retinitis pigmentosa 80 (RP80). Identifiers: MedGen C4540439, MONDO:0054708, OMIM 617781.

Allele frequency attached by ClinVar (database versions not stated): ESP Exome Variant Server 0.96391; gnomAD exomes 0.96449; ExAC 0.96454; gnomAD 0.96626 and 0.96667; TOPMed 0.97110; 1000 Genomes Project 0.98442; 1000 Genomes Project 30x 0.98501.
gnomAD v4.1: 1,541,485 of 1,610,754 alleles (96%); highest among the groups gnomAD compares: East Asian, 100%; 737,835 homozygotes.

Submissions (9):

Labcorp Genetics (formerly Invitae), Labcorp
Classification: Benign for Saldino-Mainzer syndrome. Last evaluated: 2026-02-04. Review status: criteria provided, single submitter. Criteria: Invitae Variant Classification Sherloc (09022015). Collection method: clinical testing. Allele origin: germline.

Women's Health and Genetics/Laboratory Corporation of America, LabCorp
Classification: Benign. Last evaluated: 2025-09-08. Review status: criteria provided, single submitter. Criteria: LabCorp Variant Classification Summary - May 2015. Collection method: clinical testing. Allele origin: germline.

Blueprint Genetics
Classification: Benign. Last evaluated: 2024-11-28. Review status: criteria provided, single submitter. Criteria: ACMG Guidelines, 2015. Collection method: clinical testing. Allele origin: germline.

Genome-Nilou Lab
Classification: Benign for Retinitis pigmentosa 80. Last evaluated: 2021-07-14. Review status: criteria provided, single submitter. Criteria: ACMG Guidelines, 2015. Collection method: clinical testing. Allele origin: germline. Affected: no.

Genome-Nilou Lab
Classification: Benign for Saldino-Mainzer syndrome. Last evaluated: 2021-07-14. Review status: criteria provided, single submitter. Criteria: ACMG Guidelines, 2015. Collection method: clinical testing. Allele origin: germline. Affected: no.

GeneDx
Classification: Benign. Last evaluated: 2017-09-13. Review status: criteria provided, single submitter. Criteria: GeneDx Variant Classification (06012015). Collection method: clinical testing. Allele origin: germline. Affected: yes.
Comment: This variant is considered likely benign or benign based on one or more of the following criteria: it is a conservative change, it occurs at a poorly conserved position in the protein, it is predicted to be benign by multiple in silico algorithms, and/or has population frequency not consistent with disease.

Clinical Genetics DNA and cytogenetics Diagnostics Lab, Erasmus MC, Erasmus Medical Center
Classification: Benign for Saldino-Mainzer syndrome. Last evaluated: 2015-09-21. Review status: criteria provided, single submitter. Criteria: ACGS Guidelines, 2013. Collection method: clinical testing. Allele origin: germline. Affected: yes. Study: VKGL Data-share Consensus.

Breakthrough Genomics
Classification: Benign. Review status: criteria provided, single submitter. Criteria: ACMG Guidelines, 2015. Collection method: not provided. Allele origin: germline. Inheritance: Autosomal recessive inheritance. Affected: yes.

Diagnostic Laboratory, Department of Genetics, University Medical Center Groningen
Classification: Benign for Saldino-Mainzer syndrome. Review status: no assertion criteria provided. Collection method: clinical testing. Allele origin: germline. Affected: yes. Study: VKGL Data-share Consensus. Not counted in ClinVar's aggregate classification.

NM_014714.4(IFT140):c.3270+19T>C

Gene: IFT140 (intraflagellar transport 140; minus strand). Cytogenetic location: 16p13.3.
Variant type: single nucleotide variant.
Coding change: c.3270+19T>C on transcript NM_014714.4 (MANE Select); 19 bases into the intron after coding-DNA position 3270, T replaced by C.
Molecular consequence: intron variant.
Genome position (GRCh38, 1-based): chr16:1,523,809, A>G on the plus strand (T>C on the coding strand, the complement: IFT140 is on the minus strand). VCF-style: chr16-1523809-A-G. GRCh37 (hg19) VCF-style: chr16-1573810-A-G.
Identifiers: ClinVar variation 516182 (VCV000516182.17), dbSNP rs2745176, ClinGen allele CA7813228.